The following is an entry in ClinVar:

NM_015072.5(TTLL5):c.1493A>T (p.Tyr498Phe)

Gene: TTLL5 (tubulin tyrosine ligase like 5; plus strand). Cytogenetic location: 14q24.3.
Variant type: single nucleotide variant.
Coding change: c.1493A>T on transcript NM_015072.5 (MANE Select); coding-DNA position 1493, A replaced by T.
Protein change: p.Tyr498Phe; replaces tyrosine 498 with phenylalanine.
Molecular consequence: missense variant.
Genome position (GRCh38, 1-based): chr14:75,752,898, A>T. VCF-style: chr14-75752898-A-T. GRCh37 (hg19) VCF-style: chr14-76219241-A-T.
Other names: short protein forms Y498F.
Identifiers: ClinVar variation 1423409 (VCV001423409.6), dbSNP rs758716349, ClinGen allele CA390465931.
Genomic context (GRCh38, chr14:75,752,898, plus strand): 5'-CATTTTCCTCTTGAACTAGCTTAAGAAATAACCAGTTTCTTTCTTTGCTTTTCAGGTCCT[A>T]CCTCGAGCATAAGACCTCAATGAACTATATGCTGGCAACACGCCTCTTCCAGGACAGGTA-3'
Protein context (NP_055887.3, residues 488-508): TSETWEIYGS[Tyr498Phe]LEHKTSMNYM

ClinVar aggregate classification (germline): Uncertain significance (1 of 4 stars; one submission).

Submission:

Labcorp Genetics (formerly Invitae), Labcorp
Classification: Uncertain significance. Last evaluated: 2021-10-28. Review status: criteria provided, single submitter. Criteria: Invitae Variant Classification Sherloc (09022015). Collection method: clinical testing. Allele origin: germline.
Comment: In summary, the available evidence is currently insufficient to determine the role of this variant in disease. Therefore, it has been classified as a Variant of Uncertain Significance. Algorithms developed to predict the effect of missense changes on protein structure and function (SIFT, PolyPhen-2, Align-GVGD) all suggest that this variant is likely to be tolerated. This variant has not been reported in the literature in individuals affected with TTLL5-related conditions. This variant is not present in population databases (gnomAD no frequency). This sequence change replaces tyrosine, which is neutral and polar, with phenylalanine, which is neutral and non-polar, at codon 498 of the TTLL5 protein (p.Tyr498Phe).